The following is an entry in ClinVar:

ClinVar aggregate classification (germline): Likely benign (1 of 4 stars; one submission).

Conditions:
Catecholaminergic polymorphic ventricular tachycardia (CVPT). Also called: Catecholamine-induced polymorphic ventricular tachycardia. Identifiers: Orphanet 3286, MedGen C5574922, MONDO:0017990.

Allele frequency attached by ClinVar (database versions not stated): gnomAD exomes below 0.00001.
gnomAD v4.1: 1 of 1,608,662 alleles (0.000062%); highest among the groups gnomAD compares: Non-Finnish European, 0.000085%; no homozygotes.

Submission:

All of Us Research Program, National Institutes of Health
Classification: Likely benign for Catecholaminergic polymorphic ventricular tachycardia. Last evaluated: 2023-09-17. Review status: criteria provided, single submitter. Criteria: ACMG Guidelines, 2015. Collection method: clinical testing. Allele origin: germline. Inheritance: Autosomal dominant inheritance. Observed: 1 variant allele, 1 heterozygote.
Comment: This study involves interpretation of variants in research participants for the purpose of population health screening. Participant phenotype was not available at the time of variant classification. Additional details can be found in publication PMID: 35346344, PMCID: PMC8962531

NM_001035.3(RYR2):c.9288C>T (p.Tyr3096=)

Gene: RYR2 (ryanodine receptor 2; plus strand). Cytogenetic location: 1q43.
Variant type: single nucleotide variant.
Coding change: c.9288C>T on transcript NM_001035.3 (MANE Select); coding-DNA position 9288, C replaced by T.
Protein change: p.Tyr3096=; no amino-acid change (tyrosine 3096 retained).
Molecular consequence: synonymous variant.
Genome position (GRCh38, 1-based): chr1:237,700,388, C>T. VCF-style: chr1-237700388-C-T. GRCh37 (hg19) VCF-style: chr1-237863688-C-T.
Identifiers: ClinVar variation 3073362 (VCV003073362.1), dbSNP rs2547365509, ClinGen allele CA424031412.